The following is an entry in ClinVar:

NM_001267550.2(TTN):c.84006_84017del (p.Leu28003_Thr28006del)

Genes: TTN (titin; minus strand), TTN-AS1 (TTN antisense RNA 1; plus strand). Cytogenetic location: 2q31.2.
Variant type: Deletion.
Coding change: c.84006_84017del on transcript NM_001267550.2 (MANE Select); coding-DNA positions 84006 to 84017, 12 bases deleted (TCTTAAAGAGAC).
Protein change: p.Leu28003_Thr28006del.
Molecular consequence: inframe deletion.
Genome position (GRCh38, 1-based): chr2:178,562,115-178,562,126, GTCTCTTTAAGA deleted on the plus strand (TCTTAAAGAGAC on the coding strand, the reverse complement: TTN is on the minus strand); deleting any 12 consecutive bases within chr2:178,562,115-178,562,130 gives the same sequence; the c. name uses the placement nearest the transcript's 3' end. VCF-style (leftmost placement, unchanged base first): chr2-178562114-TGTCTCTTTAAGA-T. GRCh37 (hg19) VCF-style: chr2-179426841-TGTCTCTTTAAGA-T.
Other names: c.79083_79094del, p.Leu26362_Thr26365del (NM_001256850.1); c.56811_56822del, p.Leu18938_Thr18941del (NM_003319.4); c.76302_76313del, p.Leu25435_Thr25438del (NM_133378.4); c.57186_57197del, p.Leu19063_Thr19066del (NM_133432.3); c.57387_57398del, p.Leu19130_Thr19133del (NM_133437.4).
Identifiers: ClinVar variation 4884117 (VCV004884117.2).

ClinVar aggregate classification (germline): Uncertain significance (1 of 4 stars; one submission).

Submission:

Dasa
Classification: Uncertain significance. Last evaluated: 2025-09-21. Review status: criteria provided, single submitter. Criteria: DASA Assertion Criteria. Collection method: clinical testing. Allele origin: germline.
Comment: NM_001267550.2(TTN):c.84006_84017del (p.Leu28003_Thr28006del) is an in-frame deletion predicted to remove amino acids from leucine at protein position 28003 through threonine at protein position 28006 without shifting the reading frame. This variant is absent from population databases. The currently available literature and clinical evidence are not sufficient to establish a definitive association between this variant and the reported condition. Therefore, this variant is classified as a variant of uncertain significance.